The following is an entry in ClinVar:

NM_000553.6(WRN):c.144A>G (p.Glu48=)

Gene: WRN (WRN RecQ like helicase; plus strand). Cytogenetic location: 8p12.
Variant type: single nucleotide variant.
Coding change: c.144A>G on transcript NM_000553.6 (MANE Select); coding-DNA position 144, A replaced by G.
Protein change: p.Glu48=; no amino-acid change (glutamic acid 48 retained).
Molecular consequence: synonymous variant.
Genome position (GRCh38, 1-based): chr8:31,059,200, A>G. VCF-style: chr8-31059200-A-G. GRCh37 (hg19) VCF-style: chr8-30916716-A-G.
Identifiers: ClinVar variation 238121 (VCV000238121.35), dbSNP rs145959045, ClinGen allele CA4703992.

ClinVar aggregate classification (germline): Benign/Likely benign. Review status: criteria provided, multiple submitters, no conflicts (2 of 4 stars). 8 submissions from 7 submitters: Benign (4); Likely benign (4). Last evaluated 2026-01-05.

Conditions:
Wiskott-Aldrich syndrome (WAS). Also called: ALDRICH SYNDROME; IMMUNODEFICIENCY 2; WISKOTT-ALDRICH SYNDROME 1; Wiskott-aldrich syndrome, somatic. Identifiers: Orphanet 906, MedGen C0043194, MONDO:0010518, OMIM 301000.
Werner syndrome (WRN). Identifiers: Orphanet 902, MedGen C0043119, MONDO:0010196, OMIM 277700.

Allele frequency attached by ClinVar (database versions not stated): gnomAD exomes 0.00013 and 0.00034; ExAC 0.00044; TOPMed 0.00125; gnomAD 0.00127 and 0.00133; ESP Exome Variant Server 0.00185; 1000 Genomes Project 30x 0.00219; 1000 Genomes Project 0.00220.
gnomAD v4.1: 390 of 1,613,852 alleles (0.024%); highest among the groups gnomAD compares: African/African-American, 0.45%; 3 homozygotes.

Submissions (8):

Labcorp Genetics (formerly Invitae), Labcorp
Classification: Benign for Werner syndrome. Last evaluated: 2026-01-05. Review status: criteria provided, single submitter. Criteria: Invitae Variant Classification Sherloc (09022015). Collection method: clinical testing. Allele origin: germline.

CeGaT Center for Human Genetics Tuebingen
Classification: Likely benign. Last evaluated: 2025-10-01. Review status: criteria provided, single submitter. Criteria: CeGaT Center For Human Genetics Tuebingen Variant Classification Criteria Version 2. Collection method: clinical testing. Allele origin: germline. Affected: yes. Observed: 2 variant alleles.
Comment: WRN: BP4, BS2

KCCC/NGS Laboratory, Kuwait Cancer Control Center
Classification: Benign for Werner syndrome. Last evaluated: 2025-02-01. Review status: criteria provided, single submitter. Criteria: ACMG Guidelines, 2015. Collection method: clinical testing. Allele origin: germline. Affected: no.

Blueprint Genetics
Classification: Likely benign. Last evaluated: 2024-09-02. Review status: criteria provided, single submitter. Criteria: ACMG Guidelines, 2015. Collection method: clinical testing. Allele origin: germline.

KCCC/NGS Laboratory, Kuwait Cancer Control Center
Classification: Benign for Wiskott-Aldrich syndrome. Last evaluated: 2023-07-07. Review status: criteria provided, single submitter. Criteria: ACMG Guidelines, 2015. Collection method: clinical testing. Allele origin: germline. Affected: yes.

Genome-Nilou Lab
Classification: Benign for Werner syndrome. Last evaluated: 2021-12-05. Review status: criteria provided, single submitter. Criteria: ACMG Guidelines, 2015. Collection method: clinical testing. Allele origin: germline. Affected: no.

Genetic Services Laboratory, University of Chicago
Classification: Likely benign. Last evaluated: 2021-05-26. Review status: criteria provided, single submitter. Criteria: ACMG Guidelines, 2015. Collection method: clinical testing. Allele origin: germline. Affected: no.

Breakthrough Genomics
Classification: Likely benign. Review status: criteria provided, single submitter. Criteria: ACMG Guidelines, 2015. Collection method: not provided. Allele origin: germline. Inheritance: Autosomal recessive inheritance. Affected: yes.